The following is an entry in ClinVar:

NM_006096.4(NDRG1):c.1066A>G (p.Thr356Ala)

Gene: NDRG1 (N-myc downstream regulated 1; minus strand). Cytogenetic location: 8q24.22.
Variant type: single nucleotide variant.
Coding change: c.1066A>G on transcript NM_006096.4 (MANE Select); coding-DNA position 1066, A replaced by G.
Protein change: p.Thr356Ala; replaces threonine 356 with alanine.
Molecular consequence: missense variant.
Genome position (GRCh38, 1-based): chr8:133,238,997, T>C on the plus strand (A>G on the coding strand, the complement: NDRG1 is on the minus strand). VCF-style: chr8-133238997-T-C. GRCh37 (hg19) VCF-style: chr8-134251240-T-C.
Other names: c.1066A>G, p.Thr356Ala (NM_001135242.2, NM_001374845.1, NM_001374846.1); c.868A>G, p.Thr290Ala (NM_001258432.2, NM_001374847.1); c.823A>G, p.Thr275Ala (NM_001258433.2); c.1117A>G, p.Thr373Ala (NM_001374844.1); c.1066A>G (NM_006096.3); short protein forms T290A, T275A, T373A, T356A.
Identifiers: ClinVar variation 1388749 (VCV001388749.5), dbSNP rs111835070, ClinGen allele CA186362743.

ClinVar aggregate classification (germline): Uncertain significance. Review status: criteria provided, single submitter (1 of 4 stars). 2 submissions from 2 submitters: Uncertain significance (1). 1 of the submissions does not count toward it. Last evaluated 2023-08-10.

Conditions:
Charcot-Marie-Tooth disease type 4. Also called: Charcot-Marie-Tooth disease, type IV; Charcot-Marie-Tooth, Type 4. Identifiers: Orphanet 64749, MedGen C4082197, MONDO:0018995.
Charcot-Marie-Tooth disease type 4D. Also called: NEUROPATHY, HEREDITARY MOTOR AND SENSORY, LOM TYPE; CHARCOT-MARIE-TOOTH DISEASE, DEMYELINATING, AUTOSOMAL RECESSIVE, TYPE 4D; Charcot-Marie-Tooth Neuropathy Type 4D; CHARCOT-MARIE-TOOTH DISEASE, DEMYELINATING, TYPE 4D. Identifiers: Orphanet 99950, MedGen C1832334, MONDO:0011085, OMIM 601455.

Allele frequency attached by ClinVar (database versions not stated): TOPMed below 0.00001; gnomAD 0.00001; gnomAD exomes 0.00001.
gnomAD v4.1: 29 of 1,595,526 alleles (0.0018%); highest among the groups gnomAD compares: African/African-American, 0.016%; 1 homozygote.

Submissions (2):

Labcorp Genetics (formerly Invitae), Labcorp
Classification: Uncertain significance for Charcot-Marie-Tooth disease type 4. Last evaluated: 2023-08-10. Review status: criteria provided, single submitter. Criteria: Invitae Variant Classification Sherloc (09022015). Collection method: clinical testing. Allele origin: germline.
Comment: This sequence change replaces threonine, which is neutral and polar, with alanine, which is neutral and non-polar, at codon 356 of the NDRG1 protein (p.Thr356Ala). This variant is not present in population databases (gnomAD no frequency). This variant has not been reported in the literature in individuals affected with NDRG1-related conditions. ClinVar contains an entry for this variant (Variation ID: 1388749). An algorithm developed to predict the effect of missense changes on protein structure and function (PolyPhen-2) suggests that this variant is likely to be disruptive. Experimental studies have shown that this missense change affects NDRG1 function (PMID: 18787837). In summary, the available evidence is currently insufficient to determine the role of this variant in disease. Therefore, it has been classified as a Variant of Uncertain Significance.

Natera, Inc.
Classification: Uncertain significance for Charcot-Marie-Tooth disease type 4D. Last evaluated: 2025-01-21. Review status: no assertion criteria provided. Collection method: clinical testing. Allele origin: germline. Not counted in ClinVar's aggregate classification.

Literature cited by the submitters: PubMed 18787837 (cited by Labcorp Genetics (formerly Invitae), Labcorp).